The following is an entry in ClinVar:

NM_177438.3(DICER1):c.116A>G (p.Asp39Gly)

Gene: DICER1 (dicer 1, ribonuclease III; minus strand). Cytogenetic location: 14q32.13.
Variant type: single nucleotide variant.
Coding change: c.116A>G on transcript NM_177438.3 (MANE Select); coding-DNA position 116, A replaced by G.
Protein change: p.Asp39Gly; replaces aspartic acid 39 with glycine.
Molecular consequence: missense variant.
Genome position (GRCh38, 1-based): chr14:95,133,343, T>C on the plus strand (A>G on the coding strand, the complement: DICER1 is on the minus strand). VCF-style: chr14-95133343-T-C. GRCh37 (hg19) VCF-style: chr14-95599680-T-C.
Other names: c.116A>G, p.Asp39Gly (NM_001195573.1, NM_001271282.3, NM_001291628.2 and 1 more transcripts); short protein forms D39G.
Identifiers: ClinVar variation 853332 (VCV000853332.15), dbSNP rs748564911, ClinGen allele CA7331744.
Genomic context (GRCh38, chr14:95,133,343, plus strand): 5'-GAATGCTCCAGTATTAGTGTTCGCATTAGTACCTGATATTTTCTTGGCGTATAAATGTTA[T>C]CATGAATTGCTTCTTGTTGCCATGGCAGTCCAAAGAAAGGACCCATTGGTGAGGAAGCAG-3'
Protein context (NP_803187.1, residues 29-49): GLPWQQEAIH[Asp39Gly]NIYTPRKYQV

ClinVar aggregate classification (germline): Uncertain significance. Review status: criteria provided, multiple submitters, no conflicts (2 of 4 stars). 3 submissions from 3 submitters: Uncertain significance (3). Last evaluated 2025-08-08.

Conditions:
Hereditary cancer-predisposing syndrome. Also called: Neoplastic Syndromes, Hereditary; Hereditary Cancer Syndrome; Hereditary neoplastic syndrome; Tumor predisposition. Identifiers: Orphanet 140162, MedGen C0027672, MeSH D009386, MONDO:0015356.
DICER1-related tumor predisposition. Also called: DICER1 syndrome; DICER1-related pleuropulmonary blastoma cancer predisposition syndrome. Identifiers: Orphanet 284343, MedGen C3839822, MONDO:0100216.

Allele frequency attached by ClinVar (database versions not stated): gnomAD exomes below 0.00001 and 0.00001; ExAC 0.00001.
gnomAD v4.1: 8 of 1,614,178 alleles (0.0005%); highest among the groups gnomAD compares: Admixed American, 0.0017%; no homozygotes.

Submissions (3):

Ambry Genetics
Classification: Uncertain significance for Hereditary cancer-predisposing syndrome. Last evaluated: 2025-08-08. Review status: criteria provided, single submitter. Criteria: Ambry Variant Classification Scheme 2023. Collection method: clinical testing. Allele origin: germline.
Comment: The p.D39G variant (also known as c.116A>G), located in coding exon 1 of the DICER1 gene, results from an A to G substitution at nucleotide position 116. The aspartic acid at codon 39 is replaced by glycine, an amino acid with similar properties. This amino acid position is highly conserved in available vertebrate species. In addition, this alteration is predicted to be deleterious by in silico analysis. Since supporting evidence is limited at this time, the clinical significance of this alteration remains unclear.

Labcorp Genetics (formerly Invitae), Labcorp
Classification: Uncertain significance for DICER1-related tumor predisposition. Last evaluated: 2025-04-16. Review status: criteria provided, single submitter. Criteria: Invitae Variant Classification Sherloc (09022015). Collection method: clinical testing. Allele origin: germline.
Comment: This sequence change replaces aspartic acid, which is acidic and polar, with glycine, which is neutral and non-polar, at codon 39 of the DICER1 protein (p.Asp39Gly). This variant is present in population databases (rs748564911, gnomAD 0.003%). This variant has not been reported in the literature in individuals affected with DICER1-related conditions. ClinVar contains an entry for this variant (Variation ID: 853332). Invitae Evidence Modeling of protein sequence and biophysical properties (such as structural, functional, and spatial information, amino acid conservation, physicochemical variation, residue mobility, and thermodynamic stability) indicates that this missense variant is not expected to disrupt DICER1 protein function with a negative predictive value of 95%. Algorithms developed to predict the effect of sequence changes on RNA splicing suggest that this variant may create or strengthen a splice site. In summary, the available evidence is currently insufficient to determine the role of this variant in disease. Therefore, it has been classified as a Variant of Uncertain Significance.

Illumina Laboratory Services, Illumina
Classification: Uncertain significance for Pleuropulmonary blastoma. Last evaluated: 2018-01-12. Review status: criteria provided, single submitter. Criteria: ICSL Variant Classification Criteria 13 December 2019. Collection method: clinical testing. Allele origin: germline.